The following is an entry in ClinVar:

NM_001029883.3(PCARE):c.635G>A (p.Arg212Gln)

Gene: PCARE (photoreceptor cilium actin regulator; minus strand). Cytogenetic location: 2p23.2.
Variant type: single nucleotide variant.
Coding change: c.635G>A on transcript NM_001029883.3 (MANE Select); coding-DNA position 635, G replaced by A.
Protein change: p.Arg212Gln; replaces arginine 212 with glutamine.
Molecular consequence: missense variant.
Genome position (GRCh38, 1-based): chr2:29,073,627, C>T on the plus strand (G>A on the coding strand, the complement: PCARE is on the minus strand). VCF-style: chr2-29073627-C-T. GRCh37 (hg19) VCF-style: chr2-29296493-C-T.
Other names: short protein forms R212Q.
Identifiers: ClinVar variation 859905 (VCV000859905.9), dbSNP rs763441352, ClinGen allele CA1592612.
Genomic context (GRCh38, chr2:29,073,627, plus strand): 5'-AGCTGGCTGATCTCCTCAAAGCACAGCAGCAAGAAGCTGACCATGGGCTGCAGCAGCTCC[C>T]GGGTCTGGGTGGCCTGATGGATGATGCACAGAATTGCTTCATATTTGGAGAGGCTGGAGT-3'
Protein context (NP_001025054.1, residues 202-222): LCIIHQATQT[Arg212Gln]ELLQPMVSFL

ClinVar aggregate classification (germline): Conflicting classifications of pathogenicity. Review status: criteria provided, conflicting classifications (1 of 4 stars). 2 submissions from 2 submitters: Uncertain significance (1); Likely benign (1). Last evaluated 2023-10-01.

Conditions:
Retinal dystrophy. Also called: Inherited retinal dystrophy. Identifiers: Orphanet 71862, MedGen C0854723, MeSH D058499, MONDO:0019118, HP:0000556.

Allele frequency attached by ClinVar (database versions not stated): gnomAD exomes 0.00002 and 0.00004; ExAC 0.00005; TOPMed 0.00006; gnomAD 0.00008 and 0.00009.
gnomAD v4.1: 47 of 1,614,054 alleles (0.0029%); highest among the groups gnomAD compares: Middle Eastern, 0.049%; no homozygotes.

Submissions (2):

Dept Of Ophthalmology, Nagoya University
Classification: Likely benign for Retinal dystrophy. Last evaluated: 2023-10-01. Review status: criteria provided, single submitter. Criteria: Submitter's publication. Collection method: research. Allele origin: germline. Affected: yes.

Labcorp Genetics (formerly Invitae), Labcorp
Classification: Uncertain significance. Last evaluated: 2023-08-04. Review status: criteria provided, single submitter. Criteria: Invitae Variant Classification Sherloc (09022015). Collection method: clinical testing. Allele origin: germline.
Comment: In summary, the available evidence is currently insufficient to determine the role of this variant in disease. Therefore, it has been classified as a Variant of Uncertain Significance. Algorithms developed to predict the effect of missense changes on protein structure and function output the following: SIFT: "Not Available"; PolyPhen-2: "Benign"; Align-GVGD: "Not Available". The glutamine amino acid residue is found in multiple mammalian species, which suggests that this missense change does not adversely affect protein function. ClinVar contains an entry for this variant (Variation ID: 859905). This variant has not been reported in the literature in individuals affected with PCARE-related conditions. This variant is present in population databases (rs763441352, gnomAD 0.02%). This sequence change replaces arginine, which is basic and polar, with glutamine, which is neutral and polar, at codon 212 of the PCARE protein (p.Arg212Gln).